The following is an entry in ClinVar:

ClinVar aggregate classification (germline): Uncertain significance. Review status: criteria provided, multiple submitters, no conflicts (2 of 4 stars). 2 submissions from 2 submitters: Uncertain significance (2). Last evaluated 2023-02-02.

Conditions:
Cardiovascular phenotype. Identifiers: MedGen CN230736.

Allele frequency attached by ClinVar (database versions not stated): gnomAD 0.00005; ExAC 0.00015; 1000 Genomes Project 30x 0.00016.

Submissions (2):

GeneDx
Classification: Uncertain significance. Last evaluated: 2023-02-02. Review status: criteria provided, single submitter. Criteria: GeneDx Variant Classification Process June 2021. Collection method: clinical testing. Allele origin: germline. Affected: yes.
Comment: In silico analysis supports that this missense variant has a deleterious effect on protein structure/function; Has not been previously published as pathogenic or benign to our knowledge

Ambry Genetics
Classification: Uncertain significance for Cardiovascular phenotype. Last evaluated: 2021-07-20. Review status: criteria provided, single submitter. Criteria: Ambry Variant Classification Scheme 2023. Collection method: clinical testing. Allele origin: germline.

NM_001365276.2(TNXB):c.10895G>A (p.Arg3632His)

Genes: TNXB (tenascin XB; minus strand), LOC106780803 (tenascin XB recombination region; plus strand). Cytogenetic location: 6p21.33.
Variant type: single nucleotide variant.
Coding change: c.10895G>A on transcript NM_001365276.2 (MANE Select); coding-DNA position 10895, G replaced by A.
Protein change: p.Arg3632His; replaces arginine 3632 with histidine.
Molecular consequence: missense variant.
Genome position (GRCh38, 1-based): chr6:32,045,038, C>T on the plus strand (G>A on the coding strand, the complement: TNXB is on the minus strand). VCF-style: chr6-32045038-C-T. GRCh37 (hg19) VCF-style: chr6-32012815-C-T.
Other names: c.10889G>A, p.Arg3630His (NM_019105.8); c.182G>A, p.Arg61His (NM_032470.4); short protein forms R3630H, R3632H, R61H.
Identifiers: ClinVar variation 2574993 (VCV002574993.2), dbSNP rs747145086, ClinGen allele CA3733111.
Genomic context (GRCh38, chr6:32,045,038, plus strand): 5'-GCTAGAGGCCGGAGACGCCTGGTGGTACCTGTGGTGCCCTCAGCTGAGAGGGGCCCCAGG[C>T]GCTTCCCTTCATGGAGGCCATAGAGGAGGAACCTGTAGGGGGTGCTGGGCTCCAGGCCTG-3'
Protein context (NP_001352205.1, residues 3622-3642): FLLYGLHEGK[Arg3632His]LGPLSAEGTT